The following is an entry in ClinVar:

ClinVar aggregate classification (germline): Benign. Review status: criteria provided, multiple submitters, no conflicts (2 of 4 stars). 5 submissions from 5 submitters: Benign (3). 2 of the submissions do not count toward it. Last evaluated 2024-12-02.

Conditions:
Cataract 39 multiple types. Also called: Cataract 39, multiple types, autosomal dominant. Identifiers: Orphanet 91492, MedGen C3808800, MONDO:0014075, OMIM 615188.

Submissions (5):

Labcorp Genetics (formerly Invitae), Labcorp
Classification: Benign for Cataract 39 multiple types. Last evaluated: 2024-12-02. Review status: criteria provided, single submitter. Criteria: Invitae Variant Classification Sherloc (09022015). Collection method: clinical testing. Allele origin: germline.

Mendelics
Classification: Benign for Cataract 39 multiple types. Last evaluated: 2019-05-28. Review status: criteria provided, single submitter. Criteria: Mendelics Assertion Criteria 2017. Collection method: clinical testing. Allele origin: unknown.

GeneDx
Classification: Benign. Last evaluated: 2018-10-15. Review status: criteria provided, single submitter. Criteria: GeneDx Variant Classification Process June 2021. Collection method: clinical testing. Allele origin: germline. Affected: yes.
Comment: This variant is associated with the following publications: (PMID: 23288985)

Reproductive Health Research and Development, BGI Genomics
Classification: Benign for Cataract 39, multiple types. Last evaluated: 2020-01-06. Review status: no assertion criteria provided. Collection method: curation. Allele origin: germline. Not counted in ClinVar's aggregate classification.
Comment: NG_028158.1(NM_005210.3):c.10-38delG in the CRYGB gene has an allele frequency of 0.192 in African subpopulation in the gnomAD database, including 2819 homozygous. This variant was reported as g.67delG in a pedigree, which detected in congenital cataracts patients and a normal sibling (PMID: 23288985). This evidence suggests the variant to be classified as benign. ACMG/AMP criteria applied: BA1, BS2.

OMIM
Classification: Pathogenic for CATARACT 39, MULTIPLE TYPES. Last evaluated: 2012-01-01. Review status: no assertion criteria provided. Collection method: literature only. Allele origin: germline. Not counted in ClinVar's aggregate classification.

Literature cited by the submitters: PubMed 23288985 (cited by OMIM).

NM_005210.4(CRYGB):c.10-38del

Genes: CRYGB (crystallin gamma B; minus strand), LOC100507443 (uncharacterized LOC100507443; plus strand). Cytogenetic location: 2q33.3.
Variant type: Deletion.
Coding change: c.10-38del on transcript NM_005210.4 (MANE Select); 38 bases into the intron before coding-DNA position 10, one base deleted (G; older notation c.10-38delG).
Molecular consequence: intron variant.
Genome position (GRCh38, 1-based): chr2:208,146,054, C deleted on the plus strand (G on the coding strand, the reverse complement: CRYGB is on the minus strand); the first of 5 consecutive C bases (chr2:208,146,054-208,146,058); deleting any one gives the same sequence. VCF-style (leftmost placement, unchanged base first): chr2-208146053-GC-G. GRCh37 (hg19) VCF-style: chr2-209010777-GC-G.
Other names: c.10-38delG (NM_005210.3).
Identifiers: ClinVar variation 41988 (VCV000041988.13), dbSNP rs3214759, ClinGen allele CA130941.